The following is an entry in ClinVar:

NM_001130438.3(SPTAN1):c.6055C>A (p.Leu2019Ile)

Gene: SPTAN1 (spectrin alpha, non-erythrocytic 1; plus strand). Cytogenetic location: 9q34.11.
Variant type: single nucleotide variant.
Coding change: c.6055C>A on transcript NM_001130438.3 (MANE Select); coding-DNA position 6055, C replaced by A.
Protein change: p.Leu2019Ile; replaces leucine 2019 with isoleucine.
Molecular consequence: missense variant.
Genome position (GRCh38, 1-based): chr9:128,625,165, C>A. VCF-style: chr9-128625165-C-A. GRCh37 (hg19) VCF-style: chr9-131387444-C-A.
Other names: p.L2019I:CTC>ATC; c.5980C>A, p.Leu1994Ile (NM_001195532.2); c.6055C>A, p.Leu2019Ile (NM_001363759.2); c.5995C>A, p.Leu1999Ile (NM_001363765.2); c.6040C>A, p.Leu2014Ile (NM_003127.4); short protein forms L2019I, L2014I, L1994I, L1999I.
Identifiers: ClinVar variation 207298 (VCV000207298.1), dbSNP rs796053310, ClinGen allele CA318631.

ClinVar aggregate classification (germline): Likely benign (1 of 4 stars; one submission).

Allele frequency attached by ClinVar (database versions not stated): gnomAD 0.00001; TOPMed 0.00001.
gnomAD v4.1: 29 of 1,614,040 alleles (0.0018%); highest among the groups gnomAD compares: Non-Finnish European, 0.0024%; no homozygotes.

Submission:

GeneDx
Classification: Likely benign. Last evaluated: 2013-01-18. Review status: criteria provided, single submitter. Criteria: GeneDx Variant Classification (06012015). Collection method: clinical testing. Allele origin: germline. Affected: yes.
Comment: This variant is considered likely benign or benign based on one or more of the following criteria: it is a conservative change, it occurs at a poorly conserved position in the protein, it is predicted to be benign by multiple in silico algorithms, and/or has population frequency not consistent with disease.